The following is an entry in ClinVar:

NM_004438.5(EPHA4):c.340G>A (p.Val114Ile)

Gene: EPHA4 (EPH receptor A4; minus strand). Cytogenetic location: 2q36.1.
Variant type: single nucleotide variant.
Coding change: c.340G>A on transcript NM_004438.5 (MANE Select); coding-DNA position 340, G replaced by A.
Protein change: p.Val114Ile; replaces valine 114 with isoleucine.
Molecular consequence: missense variant.
Genome position (GRCh38, 1-based): chr2:221,564,214, C>T on the plus strand (G>A on the coding strand, the complement: EPHA4 is on the minus strand). VCF-style: chr2-221564214-C-T. GRCh37 (hg19) VCF-style: chr2-222428934-C-T.
Other names: c.340G>A, p.Val114Ile (NM_001304536.2, NM_001363748.2); c.187G>A, p.Val63Ile (NM_001304537.2); short protein forms V114I, V63I.
Identifiers: ClinVar variation 1935693 (VCV001935693.5), dbSNP rs748076314, ClinGen allele CA2135257.

ClinVar aggregate classification (germline): Uncertain significance (1 of 4 stars; one submission).

Allele frequency attached by ClinVar (database versions not stated): gnomAD 0.00001; gnomAD exomes 0.00003; TOPMed 0.00003; ExAC 0.00006.
gnomAD v4.1: 47 of 1,614,004 alleles (0.0029%); highest among the groups gnomAD compares: South Asian, 0.018%; no homozygotes.

Submission:

Labcorp Genetics (formerly Invitae), Labcorp
Classification: Uncertain significance. Last evaluated: 2022-08-22. Review status: criteria provided, single submitter. Criteria: Invitae Variant Classification Sherloc (09022015). Collection method: clinical testing. Allele origin: germline.
Comment: Algorithms developed to predict the effect of missense changes on protein structure and function (SIFT, PolyPhen-2, Align-GVGD) all suggest that this variant is likely to be disruptive. In summary, the available evidence is currently insufficient to determine the role of this variant in disease. Therefore, it has been classified as a Variant of Uncertain Significance. This variant has not been reported in the literature in individuals affected with EPHA4-related conditions. This variant is present in population databases (rs748076314, gnomAD 0.02%). This sequence change replaces valine, which is neutral and non-polar, with isoleucine, which is neutral and non-polar, at codon 114 of the EPHA4 protein (p.Val114Ile).